The following is an entry in ClinVar:

NM_015335.5(MED13L):c.1858_1860delinsCTCGAACA (p.Gly620fs)

Gene: MED13L (mediator complex subunit 13L; minus strand). Cytogenetic location: 12q24.21.
Variant type: Indel.
Coding change: c.1858_1860delinsCTCGAACA on transcript NM_015335.5 (MANE Select); coding-DNA positions 1858 to 1860, GGG replaced by CTCGAACA.
Protein change: p.Gly620fs; shifts the reading frame from glycine 620.
Molecular consequence: frameshift variant.
Genome position (GRCh38, 1-based): chr12:116,008,553-116,008,555, CCC replaced by TGTTCGAG on the plus strand (GGG replaced by CTCGAACA on the coding strand, the reverse complement: MED13L is on the minus strand). VCF-style: chr12-116008553-CCC-TGTTCGAG. GRCh37 (hg19) VCF-style: chr12-116446358-CCC-TGTTCGAG.
Other names: c.1858_1860delGGGinsCTCGAACA (NM_015335.4); short protein forms G620fs.
Identifiers: ClinVar variation 521718 (VCV000521718.4), dbSNP rs1555247853, ClinGen allele CA658797959.
Genomic context (GRCh38, chr12:116,008,553, plus strand): 5'-GGGTGGGAGACGATAACTATGCCACCACTTTTCTGATGACTCCGGGTTCGAGGGCCTAAT[CCC>TGTTCGAG]ACAATATAAGGCTGTCTCGCTGACCTCTGCCATGAGAGGCAGTCTTTGGCCTACGAGGAC-3'

ClinVar aggregate classification (germline): Pathogenic (1 of 4 stars; one submission).

Conditions:
Inborn genetic diseases. Identifiers: MedGen C0950123, MeSH D030342.
Cardiac anomalies - developmental delay - facial dysmorphism syndrome (MRFACD). Also called: Impaired intellectual development and distinctive facial features with or without cardiac defects; MED13L Syndrome. Identifiers: Orphanet 369891, MedGen C5192431, MONDO:0014773, OMIM 616789.

Submission:

Ambry Genetics
Classification: Pathogenic for Hereditary disease. Last evaluated: 2017-04-19. Review status: criteria provided, single submitter. Criteria: ambry_reporting_categories_2017. Collection method: clinical testing. Allele origin: germline. Affected: yes. Observed: 1 heterozygote. Segregation with disease observed.
Comment: Lines of evidence used in support of classification: LIKELY POSITIVE: Relevant Alteration(s) Detected

Literature cited by the submitters: PubMed 24267886 (cited by Ambry Genetics); PubMed 24781760 (cited by Ambry Genetics); PubMed 14638541 (cited by Ambry Genetics); PubMed 25356899 (cited by Ambry Genetics); PubMed 25137640 (cited by Ambry Genetics); PubMed 24896178 (cited by Ambry Genetics); PubMed 25758992 (cited by Ambry Genetics); PubMed 23403903 (cited by Ambry Genetics); PubMed 25712080 (cited by Ambry Genetics); PubMed 5167861 (cited by Ambry Genetics); PubMed 25167861 (cited by Ambry Genetics); PubMed 28371282 (cited by Ambry Genetics); PubMed 28645799 (cited by Ambry Genetics); PubMed 27899622 (cited by Ambry Genetics); PubMed 28588821 (cited by Ambry Genetics); PubMed 29159987 (cited by Ambry Genetics).